The following is an entry in ClinVar:

ClinVar aggregate classification (germline): Uncertain significance. Review status: criteria provided, single submitter (1 of 4 stars). 2 submissions from 2 submitters: Uncertain significance (1). 1 of the submissions does not count toward it. Last evaluated 2022-06-13.

Conditions:
Methylcobalamin deficiency type cblE (HMAE). Also called: HOMOCYSTINURIA-MEGALOBLASTIC ANEMIA, cblE TYPE; HOMOCYSTINURIA-MEGALOBLASTIC ANEMIA, cblE COMPLEMENTATION TYPE; VITAMIN B12-RESPONSIVE HOMOCYSTINURIA, cblE TYPE. Identifiers: Orphanet 2169, Orphanet 622, MedGen C1856057, MONDO:0009354, OMIM 236270.

gnomAD v4.1: 1 of 1,614,126 alleles (0.000062%); no homozygotes.

Submissions (2):

Labcorp Genetics (formerly Invitae), Labcorp
Classification: Uncertain significance for Methylcobalamin deficiency type cblE. Last evaluated: 2022-06-13. Review status: criteria provided, single submitter. Criteria: Invitae Variant Classification Sherloc (09022015). Collection method: clinical testing. Allele origin: germline.
Comment: This sequence change replaces lysine, which is basic and polar, with glutamic acid, which is acidic and polar, at codon 74 of the MTRR protein (p.Lys74Glu). This variant is not present in population databases (gnomAD no frequency). This variant has not been reported in the literature in individuals affected with MTRR-related conditions. ClinVar contains an entry for this variant (Variation ID: 992054). Algorithms developed to predict the effect of missense changes on protein structure and function are either unavailable or do not agree on the potential impact of this missense change (SIFT: "Tolerated"; PolyPhen-2: "Probably Damaging"; Align-GVGD: "Class C0"). In summary, the available evidence is currently insufficient to determine the role of this variant in disease. Therefore, it has been classified as a Variant of Uncertain Significance.

Natera, Inc.
Classification: Uncertain significance for CblE complementation type homocystinuria-megaloblastic anemia due to defect in cobalamin metabolism. Last evaluated: 2020-08-13. Review status: no assertion criteria provided. Collection method: clinical testing. Allele origin: germline. Not counted in ClinVar's aggregate classification.

NM_002454.3(MTRR):c.220A>G (p.Lys74Glu)

Gene: MTRR (5-methyltetrahydrofolate-homocysteine methyltransferase reductase; plus strand). Cytogenetic location: 5p15.31.
Variant type: single nucleotide variant.
Coding change: c.220A>G on transcript NM_002454.3 (MANE Select); coding-DNA position 220, A replaced by G.
Protein change: p.Lys74Glu; replaces lysine 74 with glutamic acid.
Molecular consequence: missense variant. On other transcripts: non-coding transcript variant (8).
Genome position (GRCh38, 1-based): chr5:7,873,463, A>G. VCF-style: chr5-7873463-A-G. GRCh37 (hg19) VCF-style: chr5-7873576-A-G.
Other names: c.220A>G, p.Lys74Glu (NM_001364440.2, NM_001364441.2, NM_001364442.2 and 1 more transcripts); short protein forms K74E.
Identifiers: ClinVar variation 992054 (VCV000992054.3), dbSNP rs1748351304, ClinGen allele CA359156241.